The following is an entry in ClinVar:

ClinVar aggregate classification (germline): Uncertain significance (1 of 4 stars; one submission).

Conditions:
Fanconi anemia (FA). Also called: Fanconi's anemia. Identifiers: Orphanet 84, MedGen C0015625, MeSH D005199, MONDO:0019391.

Allele frequency attached by ClinVar (database versions not stated): TOPMed below 0.00001.

Submission:

Labcorp Genetics (formerly Invitae), Labcorp
Classification: Uncertain significance for Fanconi anemia. Last evaluated: 2022-08-15. Review status: criteria provided, single submitter. Criteria: Invitae Variant Classification Sherloc (09022015). Collection method: clinical testing. Allele origin: germline.
Comment: In summary, the available evidence is currently insufficient to determine the role of this variant in disease. Therefore, it has been classified as a Variant of Uncertain Significance. Algorithms developed to predict the effect of missense changes on protein structure and function (SIFT, PolyPhen-2, Align-GVGD) all suggest that this variant is likely to be tolerated. ClinVar contains an entry for this variant (Variation ID: 1411730). This variant has not been reported in the literature in individuals affected with SLX4-related conditions. This variant is not present in population databases (gnomAD no frequency). This sequence change replaces glutamic acid, which is acidic and polar, with valine, which is neutral and non-polar, at codon 942 of the SLX4 protein (p.Glu942Val).

NM_032444.4(SLX4):c.2825A>T (p.Glu942Val)

Gene: SLX4 (SLX4 structure-specific endonuclease subunit; minus strand). Cytogenetic location: 16p13.3.
Variant type: single nucleotide variant.
Coding change: c.2825A>T on transcript NM_032444.4 (MANE Select); coding-DNA position 2825, A replaced by T.
Protein change: p.Glu942Val; replaces glutamic acid 942 with valine.
Molecular consequence: missense variant.
Genome position (GRCh38, 1-based): chr16:3,590,813, T>A on the plus strand (A>T on the coding strand, the complement: SLX4 is on the minus strand). VCF-style: chr16-3590813-T-A. GRCh37 (hg19) VCF-style: chr16-3640814-T-A.
Other names: short protein forms E942V.
Identifiers: ClinVar variation 1411730 (VCV001411730.8), dbSNP rs2040579815, ClinGen allele CA394522711.
Genomic context (GRCh38, chr16:3,590,813, plus strand): 5'-GAAGGGCTGGAGCAGCTGGAATGGCCAAGCGCCTCCTCTGGCGCCTCCTGCTCAGGGGCC[T>A]CTGCTCCCCGTGCCCCTGAGTGCTGGCCCTGGGGTGGCGGGAGAGCGCACTGTCCCATCT-3'
Protein context (NP_115820.2, residues 932-952): QGQHSGARGA[Glu942Val]APEQEAPEEA